The following is an entry in ClinVar:

ClinVar aggregate classification (germline): Uncertain significance. Review status: criteria provided, multiple submitters, no conflicts (2 of 4 stars). 2 submissions from 2 submitters: Uncertain significance (2). Last evaluated 2026-03-23.

Conditions:
Oculocutaneous albinism type 1. Also called: Albinism 1; ALBINISM I. Identifiers: Orphanet 352731, MedGen C0268494, MONDO:0018135. Disease mechanism: loss of function.

gnomAD v4.1: 1 of 1,611,834 alleles (0.000062%); highest among the groups gnomAD compares: Non-Finnish European, 0.000085%; no homozygotes.

Submissions (2):

Myriad Genetics, Inc.
Classification: Uncertain significance for Oculocutaneous albinism type 1. Last evaluated: 2026-03-23. Review status: criteria provided, single submitter. Criteria: Myriad Autosomal Dominant, Autosomal Recessive and X-Linked Classification Criteria (2023). Collection method: clinical testing. Allele origin: unknown.
Comment: NM_000372.4(TYR):c.1278G>C(M426I) is a missense variant classified as a variant of uncertain significance in the context of oculocutaneous albinism, TYR-related. M426I has been observed in a case with relevant disease (PMID: 27734839). Relevant functional assessments of this variant are not available in the literature. M426I has not been observed in referenced population frequency databases. In summary, there is insufficient evidence to classify NM_000372.4(TYR):c.1278G>C(M426I) as pathogenic or benign. Please note: this variant was assessed in the context of healthy population screening.

Women's Health and Genetics/Laboratory Corporation of America, LabCorp
Classification: Uncertain significance. Last evaluated: 2024-12-05. Review status: criteria provided, single submitter. Criteria: LabCorp Variant Classification Summary - May 2015. Collection method: clinical testing. Allele origin: germline.
Comment: Variant summary: TYR c.1278G>C (p.Met426Ile) results in a conservative amino acid change in the encoded protein sequence. Three of five in-silico tools predict a damaging effect of the variant on protein function. The variant was absent in 250450 control chromosomes. The available data on variant occurrences in the general population are insufficient to allow any conclusion about variant significance. c.1278G>C has been reported in the literature in a compound heterozygous individual affected with Oculocutaneous Albinism (Mauri_2017). These data do not allow any conclusion about variant significance. To our knowledge, no experimental evidence demonstrating an impact on protein function has been reported. The following publication have been ascertained in the context of this evaluation (PMID: 27734839). No submitters have cited clinical-significance assessments for this variant to ClinVar. Based on the evidence outlined above, the variant was classified as uncertain significance.

Literature cited by the submitters: PubMed 27734839 (cited by Myriad Genetics, Inc. and Women's Health and Genetics/Laboratory Corporation of America, LabCorp).

NM_000372.5(TYR):c.1278G>C (p.Met426Ile)

Gene: TYR (tyrosinase; plus strand). Cytogenetic location: 11q14.3.
Variant type: single nucleotide variant.
Coding change: c.1278G>C on transcript NM_000372.5 (MANE Select); coding-DNA position 1278, G replaced by C.
Protein change: p.Met426Ile; replaces methionine 426 with isoleucine.
Molecular consequence: missense variant.
Genome position (GRCh38, 1-based): chr11:89,284,866, G>C. VCF-style: chr11-89284866-G-C. GRCh37 (hg19) VCF-style: chr11-89018034-G-C.
Other names: short protein forms M426I.
Identifiers: ClinVar variation 3768244 (VCV003768244.2).